The following is an entry in ClinVar:

NM_019066.5(MAGEL2):c.1509C>T (p.Ala503=)

Gene: MAGEL2 (MAGE family member L2; minus strand). Cytogenetic location: 15q11.2.
Variant type: single nucleotide variant.
Coding change: c.1509C>T on transcript NM_019066.5 (MANE Select); coding-DNA position 1509, C replaced by T.
Protein change: p.Ala503=; no amino-acid change (alanine 503 retained).
Molecular consequence: synonymous variant.
Genome position (GRCh38, 1-based): chr15:23,646,234, G>A on the plus strand (C>T on the coding strand, the complement: MAGEL2 is on the minus strand). VCF-style: chr15-23646234-G-A. GRCh37 (hg19) VCF-style: chr15-23891381-G-A.
Identifiers: ClinVar variation 2761366 (VCV002761366.3), dbSNP rs1384624113, ClinGen allele CA711339084.
Genomic context (GRCh38, chr15:23,646,234, plus strand): 5'-CAGTGGAGGTGGGGGTGGCAGGGCCTGCCAGAGCGGTGGCTGGGTGGCCAGGACCTGTGG[G>A]GCAGGTCGGATGGGCGGCGGCGCCTGGCGGATCAGCGGCGGGGCCTGGCGGATCACAGGT-3'
Protein context (NP_061939.3, residues 493-513): IRQAPPPIRP[Ala503=]PQVLATQPPL

ClinVar aggregate classification (germline): Uncertain significance (1 of 4 stars; one submission).

Allele frequency attached by ClinVar (database versions not stated): TOPMed below 0.00001.

Submission:

Labcorp Genetics (formerly Invitae), Labcorp
Classification: Uncertain significance. Last evaluated: 2023-10-20. Review status: criteria provided, single submitter. Criteria: Invitae Variant Classification Sherloc (09022015). Collection method: clinical testing. Allele origin: germline.
Comment: This sequence change affects codon 503 of the MAGEL2 mRNA. It is a 'silent' change, meaning that it does not change the encoded amino acid sequence of the MAGEL2 protein. This variant is not present in population databases (gnomAD no frequency). This variant has not been reported in the literature in individuals affected with MAGEL2-related conditions. In summary, the available evidence is currently insufficient to determine the role of this variant in disease. Therefore, it has been classified as a Variant of Uncertain Significance.